The following is an entry in ClinVar:

ClinVar aggregate classification (germline): Uncertain significance. Review status: criteria provided, multiple submitters, no conflicts (2 of 4 stars). 2 submissions from 2 submitters: Uncertain significance (2). Last evaluated 2025-06-18.

Conditions:
Inborn genetic diseases. Identifiers: MedGen C0950123, MeSH D030342.

Allele frequency attached by ClinVar (database versions not stated): gnomAD exomes 0.00001; gnomAD 0.00004; TOPMed 0.00004.
gnomAD v4.1: 13 of 1,613,338 alleles (0.00081%); highest among the groups gnomAD compares: Admixed American, 0.02%; no homozygotes.

Submissions (2):

Ambry Genetics
Classification: Uncertain significance for Inborn genetic diseases. Last evaluated: 2025-06-18. Review status: criteria provided, single submitter. Criteria: Ambry Variant Classification Scheme 2023. Collection method: clinical testing. Allele origin: germline.

Labcorp Genetics (formerly Invitae), Labcorp
Classification: Uncertain significance. Last evaluated: 2024-02-17. Review status: criteria provided, single submitter. Criteria: Invitae Variant Classification Sherloc (09022015). Collection method: clinical testing. Allele origin: germline.
Comment: This sequence change replaces phenylalanine, which is neutral and non-polar, with leucine, which is neutral and non-polar, at codon 53 of the BMP2 protein (p.Phe53Leu). This variant is present in population databases (no rsID available, gnomAD 0.006%). This variant has not been reported in the literature in individuals affected with BMP2-related conditions. ClinVar contains an entry for this variant (Variation ID: 1348330). An algorithm developed to predict the effect of missense changes on protein structure and function (PolyPhen-2) suggests that this variant is likely to be disruptive. In summary, the available evidence is currently insufficient to determine the role of this variant in disease. Therefore, it has been classified as a Variant of Uncertain Significance.

NM_001200.4(BMP2):c.159C>G (p.Phe53Leu)

Gene: BMP2 (bone morphogenetic protein 2; plus strand). Cytogenetic location: 20p12.3.
Variant type: single nucleotide variant.
Coding change: c.159C>G on transcript NM_001200.4 (MANE Select); coding-DNA position 159, C replaced by G.
Protein change: p.Phe53Leu; replaces phenylalanine 53 with leucine.
Molecular consequence: missense variant.
Genome position (GRCh38, 1-based): chr20:6,770,285, C>G. VCF-style: chr20-6770285-C-G. GRCh37 (hg19) VCF-style: chr20-6750932-C-G.
Other names: c.159C>G (NM_001200.2); short protein forms F53L.
Identifiers: ClinVar variation 1348330 (VCV001348330.9), dbSNP rs1201164661, ClinGen allele CA408260356.
Genomic context (GRCh38, chr20:6,770,285, plus strand): 5'-CGCGGCGGCGTCGTCGGGCCGCCCCTCATCCCAGCCCTCTGACGAGGTCCTGAGCGAGTT[C>G]GAGTTGCGGCTGCTCAGCATGTTCGGCCTGAAACAGAGACCCACCCCCAGCAGGGACGCC-3'
Protein context (NP_001191.1, residues 43-63): SQPSDEVLSE[Phe53Leu]ELRLLSMFGL